The following is an entry in ClinVar:

NM_203446.3(SYNJ1):c.344G>A (p.Arg115His)

Gene: SYNJ1 (synaptojanin 1; minus strand). Cytogenetic location: 21q22.11.
Variant type: single nucleotide variant.
Coding change: c.344G>A on transcript NM_203446.3 (MANE Select); coding-DNA position 344, G replaced by A.
Protein change: p.Arg115His; replaces arginine 115 with histidine.
Molecular consequence: missense variant.
Genome position (GRCh38, 1-based): chr21:32,699,973, C>T on the plus strand (G>A on the coding strand, the complement: SYNJ1 is on the minus strand). VCF-style: chr21-32699973-C-T. GRCh37 (hg19) VCF-style: chr21-34072283-C-T.
Other names: c.344G>A, p.Arg115His (NM_001160302.2, NM_001160306.2); c.461G>A, p.Arg154His (NM_003895.4); short protein forms R115H, R154H.
Identifiers: ClinVar variation 1003992 (VCV001003992.6), dbSNP rs951976946, ClinGen allele CA319457462.

ClinVar aggregate classification (germline): Uncertain significance (1 of 4 stars; one submission).

Conditions:
Early-onset Parkinson disease 20. Also called: PARKINSON DISEASE 20, AUTOSOMAL RECESSIVE EARLY-ONSET. Identifiers: Orphanet 391411, MedGen C3809824, MONDO:0014233, OMIM 615530.
Developmental and epileptic encephalopathy, 53. Also called: Epileptic encephalopathy, early infantile, 53. Identifiers: MedGen C4479313, MONDO:0033362, OMIM 617389.

Allele frequency attached by ClinVar (database versions not stated): TOPMed 0.00003.
gnomAD v4.1: 19 of 1,614,036 alleles (0.0012%); highest among the groups gnomAD compares: East Asian, 0.0045%; no homozygotes.

Submission:

Labcorp Genetics (formerly Invitae), Labcorp
Classification: Uncertain significance for Developmental and epileptic encephalopathy, 53; Early-onset Parkinson disease 20. Last evaluated: 2021-08-28. Review status: criteria provided, single submitter. Criteria: Invitae Variant Classification Sherloc (09022015). Collection method: clinical testing. Allele origin: germline.
Comment: This sequence change replaces arginine with histidine at codon 154 of the SYNJ1 protein (p.Arg154His). The arginine residue is highly conserved and there is a small physicochemical difference between arginine and histidine. This variant is not present in population databases (ExAC no frequency). This variant has not been reported in the literature in individuals affected with SYNJ1-related conditions. Algorithms developed to predict the effect of missense changes on protein structure and function are either unavailable or do not agree on the potential impact of this missense change (SIFT: "Deleterious"; PolyPhen-2: "Probably Damaging"; Align-GVGD: "Class C0"). In summary, the available evidence is currently insufficient to determine the role of this variant in disease. Therefore, it has been classified as a Variant of Uncertain Significance.